The following is an entry in ClinVar:

ClinVar aggregate classification (germline): Likely benign (1 of 4 stars; one submission).

Submission:

CeGaT Center for Human Genetics Tuebingen
Classification: Likely benign. Last evaluated: 2025-10-01. Review status: criteria provided, single submitter. Criteria: CeGaT Center For Human Genetics Tuebingen Variant Classification Criteria Version 2. Collection method: clinical testing. Allele origin: germline. Affected: yes. Observed: 1 variant allele.
Comment: PRMT2IP: BS2

NM_015492.5(PRMT2IP):c.2225CTCCAG[4] (p.Pro747_Val748insAlaPro)

Gene: PRMT2IP (PRMT2 interacting protein; plus strand). Cytogenetic location: 15q24.2.
Variant type: Microsatellite.
Coding change: c.2225CTCCAG[4] on transcript NM_015492.5 (MANE Select); four copies in a row of the 6-base unit CTCCAG starting at c.2225; the reference has three copies in a row; one copy, 6 bases duplicated.
Protein change: p.Pro747_Val748insAlaPro.
Molecular consequence: inframe insertion.
Genome position (GRCh38, 1-based): chr15:75,208,285-75,208,290, CTCCAG duplicated; duplicating any 6 consecutive bases within chr15:75,208,268-75,208,290 gives the same sequence; the position shown is the placement nearest the transcript's 3' end. VCF-style (leftmost placement, unchanged base first): chr15-75208267-A-ATCCAGC. GRCh37 (hg19) VCF-style: chr15-75500608-A-ATCCAGC.
Identifiers: ClinVar variation 4280732 (VCV004280732.7).
Genomic context (GRCh38, chr15:75,208,267, plus strand): 5'-CCCCTGCTCCAGCTCCATCCCCTGCTCCGGCTCGAGCTCAGGCTCCAGCTTCAGCCCGGG[A>ATCCAGC]TCCAGCTCCAGCTCCAGCTCCAGTTGCAGGCCCTGCTCCAGCATCTACTTCAGCCCCAGG-3'